The following is an entry in ClinVar:

NM_032520.5(GNPTG):c.578_609+28del

Gene: GNPTG (N-acetylglucosamine-1-phosphate transferase subunit gamma; plus strand). Cytogenetic location: 16p13.3.
Variant type: Deletion.
Coding change: c.578_609+28del on transcript NM_032520.5 (MANE Select); coding-DNA position 578 through 28 bases into the intron after coding-DNA position 609, 60 bases deleted.
Molecular consequence: splice donor variant.
Genome position (GRCh38, 1-based): chr16:1,362,503-1,362,562, 60 bases deleted. GRCh37 (hg19): chr16:1,412,504-1,412,563.
Identifiers: ClinVar variation 4884805 (VCV004884805.1).

ClinVar aggregate classification (germline): Likely pathogenic (0 of 4 stars; one submission).

Conditions:
GNPTG-mucolipidosis. Also called: ML IIIC; MUCOLIPIDOSIS III, COMPLEMENTATION GROUP C; MUCOLIPIDOSIS III, IRANIAN VARIANT FORM; MUCOLIPIDOSIS III, VARIANT FORM; Mucolipidosis type III gamma; ML III GAMMA. Identifiers: Orphanet 423470, Orphanet 577, MedGen C1854896, MONDO:0009652, OMIM 252605.

Submission:

Hong-Tao Li Lab, Institute of Brain Science and Brain-inspired Research, Shandong First Medical University & Shandong Academy of Medical Sciences China
Classification: Likely pathogenic for GNPTG-mucolipidosis. Review status: no assertion criteria provided. Collection method: research. Allele origin: germline. Inheritance: Autosomal recessive inheritance. Affected: yes. Observed: 1 variant allele, 1 homozygote.
Comment: Observed in affected individuals from a Pakistani neurodevelopmental-disorder research cohort of 263 individuals. Classification assigned using the ACMG/AMP framework.